The following is an entry in ClinVar:

NM_003054.6(SLC18A2):c.710C>T (p.Pro237Leu)

Gene: SLC18A2 (solute carrier family 18 member A2; plus strand). Cytogenetic location: 10q25.3.
Variant type: single nucleotide variant.
Coding change: c.710C>T on transcript NM_003054.6 (MANE Select); coding-DNA position 710, C replaced by T.
Protein change: p.Pro237Leu; replaces proline 237 with leucine.
Molecular consequence: missense variant.
Genome position (GRCh38, 1-based): chr10:117,255,286, C>T. VCF-style: chr10-117255286-C-T. GRCh37 (hg19) VCF-style: chr10-119014797-C-T.
Other names: p.Pro237Leu; short protein forms P237L.
Identifiers: ClinVar variation 4541590 (VCV004541590.1).

ClinVar aggregate classification (germline): Uncertain significance (1 of 4 stars; one submission).

gnomAD v4.1: 13 of 1,614,086 alleles (0.00081%); highest among the groups gnomAD compares: South Asian, 0.0022%; no homozygotes.

Submission:

Mayo Clinic Laboratories, Mayo Clinic
Classification: Uncertain significance. Last evaluated: 2025-12-10. Review status: criteria provided, single submitter. Criteria: ACMG Guidelines, 2015. Collection method: clinical testing. Allele origin: germline. Observed: 1 variant allele.
Comment: PM5

Literature cited by the submitters: PubMed 34078222.